The following is an entry in ClinVar:

NM_013339.4(ALG6):c.316C>T (p.Gln106Ter)

Gene: ALG6 (ALG6 alpha-1,3-glucosyltransferase; plus strand). Cytogenetic location: 1p31.3.
Variant type: single nucleotide variant.
Coding change: c.316C>T on transcript NM_013339.4 (MANE Select); coding-DNA position 316, C replaced by T.
Protein change: p.Gln106Ter; replaces glutamine 106 with a stop codon.
Molecular consequence: nonsense.
Genome position (GRCh38, 1-based): chr1:63,404,511, C>T. VCF-style: chr1-63404511-C-T. GRCh37 (hg19) VCF-style: chr1-63870182-C-T.
Other names: short protein forms Q106*.
Identifiers: ClinVar variation 856276 (VCV000856276.7), dbSNP rs1240285695, ClinGen allele CA340634380.
Genomic context (GRCh38, chr1:63,404,511, plus strand): 5'-AGGGCAAAGTTTATAAATCCAGACTGGATTGCTCTCCATACATCACGTGGATATGAGAGT[C>T]AGGCACATAAGCTCTTCATGCGTACAACAGGTAAAAGAGCAATGGGTAGTGAATATAAAA-3'

ClinVar aggregate classification (germline): Pathogenic (1 of 4 stars; one submission).

Conditions:
ALG6-congenital disorder of glycosylation 1C (CDG1C). Also called: CDG Ic; Congenital disorder of glycosylation, type Ic; CARBOHYDRATE-DEFICIENT GLYCOPROTEIN SYNDROME, TYPE I, WITH DEFICIENT GLYCOSYLATION OF DOLICHOL-LINKED OLIGOSACCHARIDE; CARBOHYDRATE-DEFICIENT GLYCOPROTEIN SYNDROME, TYPE V; Congenital disorder of glycosylation type 1C. Identifiers: Orphanet 79320, MedGen C2930997, MONDO:0011291, OMIM 603147.

Allele frequency attached by ClinVar (database versions not stated): gnomAD exomes below 0.00001.

Submission:

Labcorp Genetics (formerly Invitae), Labcorp
Classification: Pathogenic for ALG6-congenital disorder of glycosylation 1C. Last evaluated: 2019-01-29. Review status: criteria provided, single submitter. Criteria: Invitae Variant Classification Sherloc (09022015). Collection method: clinical testing. Allele origin: germline.
Comment: This variant is not present in population databases (ExAC no frequency). For these reasons, this variant has been classified as Pathogenic. Loss-of-function variants in ALG6 are known to be pathogenic (PMID: 19862844). This variant has not been reported in the literature in individuals with ALG6-related conditions. This sequence change creates a premature translational stop signal (p.Gln106*) in the ALG6 gene. It is expected to result in an absent or disrupted protein product.

Literature cited by the submitters: PubMed 19862844.